The following is an entry in ClinVar:

NM_000051.4(ATM):c.5496+2T>G

Gene: ATM (ATM serine/threonine kinase; plus strand). Cytogenetic location: 11q22.3.
Variant type: single nucleotide variant.
Coding change: c.5496+2T>G on transcript NM_000051.4 (MANE Select); the canonical splice donor site of the intron after coding-DNA position 5496, T replaced by G.
Molecular consequence: splice donor variant.
Genome position (GRCh38, 1-based): chr11:108,303,031, T>G. VCF-style: chr11-108303031-T-G. GRCh37 (hg19) VCF-style: chr11-108173758-T-G.
Other names: c.5496+2T>G (NM_001351834.2).
Identifiers: ClinVar variation 645321 (VCV000645321.10), dbSNP rs1591713093, ClinGen allele CA382544535.
Genomic context (GRCh38, chr11:108,303,031, plus strand): 5'-TTTTGGACAGTGGAGGCACAAAATGTGAAATTCTTCAATTATTAAAGCCAATGTGTGAAG[T>G]AAGAAGATTAATTAGTCTGATATAATTCCTTGTTTATGACCTGTTTATCTAAAGAGTGCT-3'

ClinVar aggregate classification (germline): Likely pathogenic. Review status: criteria provided, multiple submitters, no conflicts (2 of 4 stars). 4 submissions from 4 submitters: Likely pathogenic (4). Last evaluated 2024-03-18.

Conditions:
Ataxia-telangiectasia syndrome (AT). Also called: LOUIS-BAR SYNDROME; Ataxia-telangiectasia, complementation group E; Ataxia-telangiectasia, complementation group D; AT, COMPLEMENTATION GROUP C; Ataxia telangiectasia (A-T); Cerebello-oculocutaneous telangiectasia. Identifiers: Orphanet 100, MedGen C0004135, MONDO:0008840, OMIM 208900.
Familial cancer of breast. Also called: hereditary breast carcinoma; BREAST CANCER, FAMILIAL; Hereditary breast cancer. Identifiers: Orphanet 227535, MedGen C0346153, MONDO:0016419, OMIM 114480. Disease mechanism: loss of function.
Hereditary cancer-predisposing syndrome. Also called: Neoplastic Syndromes, Hereditary; Hereditary Cancer Syndrome; Hereditary neoplastic syndrome; Tumor predisposition. Identifiers: Orphanet 140162, MedGen C0027672, MeSH D009386, MONDO:0015356.

Submissions (4):

Baylor Genetics
Classification: Likely pathogenic for Familial cancer of breast. Last evaluated: 2024-03-18. Review status: criteria provided, single submitter. Criteria: ACMG Guidelines, 2015. Collection method: clinical testing. Allele origin: unknown.

Myriad Genetics, Inc.
Classification: Likely pathogenic for Familial cancer of breast. Last evaluated: 2024-01-25. Review status: criteria provided, single submitter. Criteria: Myriad Autosomal Dominant, Autosomal Recessive and X-Linked Classification Criteria (2023). Collection method: clinical testing. Allele origin: unknown.
Comment: This variant is considered likely pathogenic. This variant occurs within a consensus splice junction and is predicted to result in abnormal mRNA splicing of either an out-of-frame exon or an in-frame exon necessary for protein stability and/or normal function.

Ambry Genetics
Classification: Likely pathogenic for Hereditary cancer-predisposing syndrome. Last evaluated: 2019-09-18. Review status: criteria provided, single submitter. Criteria: Ambry Variant Classification Scheme 2023. Collection method: clinical testing. Allele origin: germline.
Comment: The c.5496+2T>G intronic variant results from a T to G substitution two nucleotides after coding exon 35 in the ATM gene. This nucleotide position is highly conserved in available vertebrate species. Using the BDGP and ESEfinder splice site prediction tools, this alteration is predicted to abolish the native splice donor site. RNA studies have demonstrated that this alteration results in abnormal splicing in the set of samples tested (Ambry internal data). As such, this alteration is classified as likely pathogenic.

Labcorp Genetics (formerly Invitae), Labcorp
Classification: Likely pathogenic for Ataxia-telangiectasia syndrome. Last evaluated: 2018-09-10. Review status: criteria provided, single submitter. Criteria: Invitae Variant Classification Sherloc (09022015). Collection method: clinical testing. Allele origin: germline.
Comment: In summary, the currently available evidence indicates that the variant is pathogenic, but additional data are needed to prove that conclusively. Therefore, this variant has been classified as Likely Pathogenic. Donor and acceptor splice site variants typically lead to a loss of protein function (PMID: 16199547), and loss-of-function variants in ATM are known to be pathogenic (PMID: 23807571, 25614872). Algorithms developed to predict the effect of sequence changes on RNA splicing suggest that this variant may disrupt the consensus splice site, but this prediction has not been confirmed by published transcriptional studies. This variant has not been reported in the literature in individuals with ATM-related disease. This variant is not present in population databases (ExAC no frequency). This sequence change affects a donor splice site in intron 36 of the ATM gene. It is expected to disrupt RNA splicing and likely results in an absent or disrupted protein product.

Literature cited by the submitters: PubMed 16199547 (cited by Labcorp Genetics (formerly Invitae), Labcorp); PubMed 23807571 (cited by Labcorp Genetics (formerly Invitae), Labcorp); PubMed 25614872 (cited by Labcorp Genetics (formerly Invitae), Labcorp).